The following is an entry in ClinVar:

NM_001377.3(DYNC2H1):c.6613C>T (p.Arg2205Cys)

Gene: DYNC2H1 (dynein cytoplasmic 2 heavy chain 1; plus strand). Cytogenetic location: 11q22.3.
Variant type: single nucleotide variant.
Coding change: c.6613C>T on transcript NM_001377.3 (MANE Select); coding-DNA position 6613, C replaced by T.
Protein change: p.Arg2205Cys; replaces arginine 2205 with cysteine.
Molecular consequence: missense variant.
Genome position (GRCh38, 1-based): chr11:103,185,031, C>T. VCF-style: chr11-103185031-C-T. GRCh37 (hg19) VCF-style: chr11-103055760-C-T.
Other names: c.6613C>T, p.Arg2205Cys (NM_001080463.2); short protein forms R2205C.
Identifiers: ClinVar variation 528897 (VCV000528897.14), dbSNP rs750689118, ClinGen allele CA6254013.
Genomic context (GRCh38, chr11:103,185,031, plus strand): 5'-CATGACGAATTCATTATTAATCTCATAAGGGGACTTGGTGGAAATCTGAATATGAAGTCA[C>T]GTTTGGAATTTACCAAAGAGGTAATGCATATTTATAGCCTATATTTAGTCAAAACTTTAA-3'
Protein context (NP_001368.2, residues 2195-2215): GLGGNLNMKS[Arg2205Cys]LEFTKEVFHW

ClinVar aggregate classification (germline): Conflicting classifications of pathogenicity. Review status: criteria provided, conflicting classifications (1 of 4 stars). 5 submissions from 5 submitters: Likely pathogenic (3); Uncertain significance (2). Last evaluated 2026-03-10.

Conditions:
Jeune thoracic dystrophy. Also called: Jeune syndrome; Infantile thoracic dystrophy; Thoracic pelvic phalangeal dystrophy; Jeune's syndrome; Chondroectodermal dysplasia-like syndrome; Short-rib thoracic dysplasia. Identifiers: Orphanet 474, MedGen C0265275, MONDO:0018770.
Asphyxiating thoracic dystrophy 3. Also called: Saldino-Noonan Syndrome; SHORT-RIB THORACIC DYSPLASIA 3/6 WITH POLYDACTYLY, DIGENIC; SHORT-RIB THORACIC DYSPLASIA 3 WITH OR WITHOUT POLYDACTYLY; POLYDACTYLY WITH NEONATAL CHONDRODYSTROPHY, TYPE I; Short rib polydactyly syndrome 2B. Identifiers: Orphanet 474, Orphanet 93269, Orphanet 93270, Orphanet 93271, MedGen C0036069, MONDO:0013127, OMIM 613091.

Allele frequency attached by ClinVar (database versions not stated): ExAC 0.00001; gnomAD 0.00001; gnomAD exomes 0.00001; TOPMed 0.00001; 1000 Genomes Project 30x 0.00016.
gnomAD v4.1: 16 of 1,608,566 alleles (0.00099%); highest among the groups gnomAD compares: South Asian, 0.0033%; no homozygotes.

Submissions (5):

Myriad Genetics, Inc.
Classification: Uncertain significance for Asphyxiating thoracic dystrophy 3. Last evaluated: 2026-03-10. Review status: criteria provided, single submitter. Criteria: Myriad Autosomal Dominant, Autosomal Recessive and X-Linked Classification Criteria (2023). Collection method: clinical testing. Allele origin: unknown.
Comment: NM_001377.2(DYNC2H1):c.6613C>T(R2205C) is a missense variant classified as a variant of uncertain significance in the context of DYNC2H1-related disorders. R2205C has been observed in cases with relevant disease (PMID: 34627339, 40818059). Relevant functional assessments of this variant are not available in the literature. R2205C has been observed in referenced population frequency databases. In summary, there is insufficient evidence to classify NM_001377.2(DYNC2H1):c.6613C>T(R2205C) as pathogenic or benign. Please note: this variant was assessed in the context of healthy population screening.

Centre for Medical Genetics,  Mumbai
Classification: Likely pathogenic for Asphyxiating thoracic dystrophy 3. Last evaluated: 2025-08-23. Review status: criteria provided, single submitter. Criteria: ACMG Guidelines, 2015. Collection method: clinical testing. Allele origin: germline. Affected: yes. Observed: 1 variant allele, 1 homozygote.

GeneDx
Classification: Likely pathogenic. Last evaluated: 2024-05-23. Review status: criteria provided, single submitter. Criteria: GeneDx Variant Classification Process June 2021. Collection method: clinical testing. Allele origin: germline. Affected: yes.
Comment: Not observed at significant frequency in large population cohorts (gnomAD); In silico analysis supports that this missense variant has a deleterious effect on protein structure/function; This variant is associated with the following publications: (PMID: 23456818, 34627339)

Labcorp Genetics (formerly Invitae), Labcorp
Classification: Likely pathogenic for Jeune thoracic dystrophy. Last evaluated: 2024-01-17. Review status: criteria provided, single submitter. Criteria: Invitae Variant Classification Sherloc (09022015). Collection method: clinical testing. Allele origin: germline.
Comment: This sequence change replaces arginine, which is basic and polar, with cysteine, which is neutral and slightly polar, at codon 2205 of the DYNC2H1 protein (p.Arg2205Cys). This variant is present in population databases (rs750689118, gnomAD 0.005%). This variant has not been reported in the literature in individuals affected with DYNC2H1-related conditions. ClinVar contains an entry for this variant (Variation ID: 528897). Advanced modeling of protein sequence and biophysical properties (such as structural, functional, and spatial information, amino acid conservation, physicochemical variation, residue mobility, and thermodynamic stability) performed at Invitae indicates that this missense variant is expected to disrupt DYNC2H1 protein function with a positive predictive value of 95%. This variant disrupts the p.Arg2205 amino acid residue in DYNC2H1. Other variant(s) that disrupt this residue have been determined to be pathogenic (PMID: 19361615, 29068549). This suggests that this residue is clinically significant, and that variants that disrupt this residue are likely to be disease-causing. In summary, the currently available evidence indicates that the variant is pathogenic, but additional data are needed to prove that conclusively. Therefore, this variant has been classified as Likely Pathogenic.

Blueprint Genetics
Classification: Uncertain significance. Last evaluated: 2019-05-13. Review status: criteria provided, single submitter. Criteria: ACMG Guidelines, 2015. Collection method: clinical testing. Allele origin: germline.

Literature cited by the submitters: PubMed 34627339 (cited by Myriad Genetics, Inc.); PubMed 40818059 (cited by Myriad Genetics, Inc.); PubMed 19361615 (cited by Labcorp Genetics (formerly Invitae), Labcorp); PubMed 29068549 (cited by Labcorp Genetics (formerly Invitae), Labcorp).